The following is an entry in ClinVar:

ClinVar aggregate classification (germline): Uncertain significance (1 of 4 stars; one submission).

Allele frequency attached by ClinVar (database versions not stated): gnomAD exomes below 0.00001.
gnomAD v4.1: 1 of 1,614,078 alleles (0.000062%); highest among the groups gnomAD compares: Non-Finnish European, 0.000085%; no homozygotes.

Submission:

Labcorp Genetics (formerly Invitae), Labcorp
Classification: Uncertain significance. Last evaluated: 2024-09-06. Review status: criteria provided, single submitter. Criteria: Invitae Variant Classification Sherloc (09022015). Collection method: clinical testing. Allele origin: germline.
Comment: This sequence change replaces asparagine, which is neutral and polar, with serine, which is neutral and polar, at codon 50 of the PDSS2 protein (p.Asn50Ser). This variant is not present in population databases (gnomAD no frequency). This variant has not been reported in the literature in individuals affected with PDSS2-related conditions. ClinVar contains an entry for this variant (Variation ID: 1972733). An algorithm developed to predict the effect of missense changes on protein structure and function outputs the following: PolyPhen-2: "Benign". The serine amino acid residue is found in multiple mammalian species, which suggests that this missense change does not adversely affect protein function. In summary, the available evidence is currently insufficient to determine the role of this variant in disease. Therefore, it has been classified as a Variant of Uncertain Significance.

NM_020381.4(PDSS2):c.149A>G (p.Asn50Ser)

Gene: PDSS2 (decaprenyl diphosphate synthase subunit 2; minus strand). Cytogenetic location: 6q21.
Variant type: single nucleotide variant.
Coding change: c.149A>G on transcript NM_020381.4 (MANE Select); coding-DNA position 149, A replaced by G.
Protein change: p.Asn50Ser; replaces asparagine 50 with serine.
Molecular consequence: missense variant.
Genome position (GRCh38, 1-based): chr6:107,459,137, T>C on the plus strand (A>G on the coding strand, the complement: PDSS2 is on the minus strand). VCF-style: chr6-107459137-T-C. GRCh37 (hg19) VCF-style: chr6-107780341-T-C.
Other names: short protein forms N50S.
Identifiers: ClinVar variation 1972733 (VCV001972733.5), dbSNP rs2482665617, ClinGen allele CA365326004.
Genomic context (GRCh38, chr6:107,459,137, plus strand): 5'-CGAAGGCTCATGAAGGACGTGGGGTACCCCACGATCTTCTCCGCCTCTGACACTACCTGA[T>C]TCCAGTGGGCCGGGGACTTGGAGGACCGACCACGCCAAGAGCCCACCGAGGAGATGGTGT-3'
Protein context (NP_065114.3, residues 40-60): GRSSKSPAHW[Asn50Ser]QVVSEAEKIV